The following is an entry in ClinVar:

NC_000009.11:g.(?_100451806)_(100451931_?)del

Gene: XPA (XPA, DNA damage recognition and repair factor; minus strand). Cytogenetic location: 9q22.33.
Variant type: Deletion.
Identifiers: ClinVar variation 1459898 (VCV001459898.5).

ClinVar aggregate classification (germline): Pathogenic (1 of 4 stars; one submission).

Submission:

Labcorp Genetics (formerly Invitae), Labcorp
Classification: Pathogenic. Last evaluated: 2021-08-12. Review status: criteria provided, single submitter. Criteria: Invitae Variant Classification Sherloc (09022015). Collection method: clinical testing. Allele origin: germline.
Comment: This variant is a gross deletion of the genomic region encompassing exon(s) 3 of the XPA gene. This deletion is out-of-frame, and is expected to create a premature termination codon and result in an absent or disrupted protein product. Loss-of-function variants in XPA are known to be pathogenic (PMID: 27607234). This variant has not been reported in the literature in individuals affected with XPA-related conditions. For these reasons, this variant has been classified as Pathogenic.

Literature cited by the submitters: PubMed 27607234.